The following is an entry in ClinVar:

NM_006014.5(LAGE3):c.169C>T (p.Arg57Ter)

Genes: LAGE3 (L antigen family member 3; minus strand), LOC130068876 (ATAC-STARR-seq lymphoblastoid silent region 21109; plus strand). Cytogenetic location: Xq28.
Variant type: single nucleotide variant.
Coding change: c.169C>T on transcript NM_006014.5 (MANE Select); coding-DNA position 169, C replaced by T.
Protein change: p.Arg57Ter; replaces arginine 57 with a stop codon.
Molecular consequence: nonsense.
Genome position (GRCh38, 1-based): chrX:154,478,747, G>A on the plus strand (C>T on the coding strand, the complement: LAGE3 is on the minus strand). VCF-style: chrX-154478747-G-A. GRCh37 (hg19) VCF-style: chrX-153707086-G-A.
Other names: short protein forms R57*.
Identifiers: ClinVar variation 2637107 (VCV002637107.1), dbSNP rs782065337, ClinGen allele CA415193455.

ClinVar aggregate classification (germline): Uncertain significance (1 of 4 stars; one submission).

Conditions:
LAGE3-related disorder. Also called: LAGE3-related condition.

Submission:

PreventionGenetics, part of Exact Sciences
Classification: Uncertain significance for LAGE3-related condition. Last evaluated: 2022-11-04. Review status: criteria provided, single submitter. Criteria: ACMG Guidelines, 2015. Collection method: clinical testing. Allele origin: germline.
Comment: The LAGE3 c.169C>T variant is predicted to result in premature protein termination (p.Arg57*). To our knowledge, this variant has not been reported in the literature or in a large population database, indicating this variant is rare. At this time, the clinical significance of this variant is uncertain due to the absence of conclusive functional and genetic evidence.